The following is an entry in ClinVar:

NM_013322.3(SNX10):c.432A>T (p.Glu144Asp)

Gene: SNX10 (sorting nexin 10; plus strand). Cytogenetic location: 7p15.2.
Variant type: single nucleotide variant.
Coding change: c.432A>T on transcript NM_013322.3 (MANE Select); coding-DNA position 432, A replaced by T.
Protein change: p.Glu144Asp; replaces glutamic acid 144 with aspartic acid.
Molecular consequence: missense variant.
Genome position (GRCh38, 1-based): chr7:26,371,941, A>T. VCF-style: chr7-26371941-A-T. GRCh37 (hg19) VCF-style: chr7-26411561-A-T.
Other names: c.432A>T, p.Glu144Asp (NM_001199835.1, NM_001318199.3); c.423A>T, p.Glu141Asp (NM_001199837.3); c.180A>T, p.Glu60Asp (NM_001199838.2); c.510A>T, p.Glu170Asp (NM_001318198.1, NM_001362753.1, NM_001362754.1); short protein forms E60D, E170D, E141D, E144D.
Identifiers: ClinVar variation 1412086 (VCV001412086.6), dbSNP rs942187098, ClinGen allele CA156150293.
Genomic context (GRCh38, chr7:26,371,941, plus strand): 5'-TCTGAATTCAGAAGACATTGAGGCGTGTGTTTCTGGGCAGACTAAGTACTCTGTGGAAGA[A>T]GCAATTCACAAGTTTGCCTTAATGAATAGACGTTTCCCTGAAGAAGATGAAGAAGGAAAA-3'
Protein context (NP_037454.2, residues 134-154): VSGQTKYSVE[Glu144Asp]AIHKFALMNR

ClinVar aggregate classification (germline): Uncertain significance. Review status: criteria provided, multiple submitters, no conflicts (2 of 4 stars). 2 submissions from 2 submitters: Uncertain significance (2). Last evaluated 2025-02-09.

Conditions:
Inborn genetic diseases. Identifiers: MedGen C0950123, MeSH D030342.

Allele frequency attached by ClinVar (database versions not stated): TOPMed 0.00002; gnomAD 0.00003 and 0.00004; gnomAD exomes 0.00004.
gnomAD v4.1: 34 of 1,613,568 alleles (0.0021%); highest among the groups gnomAD compares: Non-Finnish European, 0.0028%; no homozygotes.

Submissions (2):

Ambry Genetics
Classification: Uncertain significance for Inborn genetic diseases. Last evaluated: 2025-02-09. Review status: criteria provided, single submitter. Criteria: Ambry Variant Classification Scheme 2023. Collection method: clinical testing. Allele origin: germline.

Labcorp Genetics (formerly Invitae), Labcorp
Classification: Uncertain significance. Last evaluated: 2021-08-30. Review status: criteria provided, single submitter. Criteria: Invitae Variant Classification Sherloc (09022015). Collection method: clinical testing. Allele origin: germline.
Comment: This sequence change replaces glutamic acid with aspartic acid at codon 144 of the SNX10 protein (p.Glu144Asp). The glutamic acid residue is moderately conserved and there is a small physicochemical difference between glutamic acid and aspartic acid. This variant is not present in population databases (ExAC no frequency). This variant has not been reported in the literature in individuals affected with SNX10-related conditions. Algorithms developed to predict the effect of missense changes on protein structure and function output the following: SIFT: "Tolerated"; PolyPhen-2: "Benign"; Align-GVGD: "Class C0". The aspartic acid amino acid residue is found in multiple mammalian species, which suggests that this missense change does not adversely affect protein function. In summary, the available evidence is currently insufficient to determine the role of this variant in disease. Therefore, it has been classified as a Variant of Uncertain Significance.